The following is an entry in ClinVar:

NM_033026.6(PCLO):c.1489_1518del (p.Ala497_Ser506del)

Gene: PCLO (piccolo presynaptic cytomatrix protein; minus strand). Cytogenetic location: 7q21.11.
Variant type: Deletion.
Coding change: c.1489_1518del on transcript NM_033026.6 (MANE Select); coding-DNA positions 1489 to 1518, 30 bases deleted (GCAAAGCCCCCATCTCAACAGCCTGGCTCA).
Protein change: p.Ala497_Ser506del.
Molecular consequence: inframe deletion.
Genome position (GRCh38, 1-based): chr7:83,155,123-83,155,152, TGAGCCAGGCTGTTGAGATGGGGGCTTTGC deleted on the plus strand (GCAAAGCCCCCATCTCAACAGCCTGGCTCA on the coding strand, the reverse complement: PCLO is on the minus strand); deleting any 30 consecutive bases within chr7:83,155,123-83,155,169 gives the same sequence; the c. name uses the placement nearest the transcript's 3' end. VCF-style (leftmost placement, unchanged base first): chr7-83155122-TTGAGCCAGGCTGTTGAGATGGGGGCTTTGC-T. GRCh37 (hg19) VCF-style: chr7-82784438-TTGAGCCAGGCTGTTGAGATGGGGGCTTTGC-T.
Other names: c.1489_1518del, p.Ala497_Ser506del (NM_014510.3).
Identifiers: ClinVar variation 2168211 (VCV002168211.3), dbSNP rs751686852, ClinGen allele CA4321429.
Genomic context (GRCh38, chr7:83,155,122, plus strand): 5'-TTGAGCCAGGCTGTTGAGGTGAGGGCTTTGCTGGGCCAGGCTGTTGAGGTGGGGGTTTTG[TTGAGCCAGGCTGTTGAGATGGGGGCTTTGC>T]TGAGCCAGGCTGTTGAGGTGGGGGCTTTGCTGGGCCAGGCTGTTGAGGTGGGGGCTTTGC-3'

ClinVar aggregate classification (germline): Uncertain significance (1 of 4 stars; one submission).

Submission:

Labcorp Genetics (formerly Invitae), Labcorp
Classification: Uncertain significance. Last evaluated: 2024-10-06. Review status: criteria provided, single submitter. Criteria: Invitae Variant Classification Sherloc (09022015). Collection method: clinical testing. Allele origin: germline.
Comment: This variant, c.1489_1518del, results in the deletion of 10 amino acid(s) of the PCLO protein (p.Ala497_Ser506del), but otherwise preserves the integrity of the reading frame. The frequency data for this variant in the population databases is considered unreliable, as metrics indicate poor data quality at this position in the gnomAD database. This variant has not been reported in the literature in individuals affected with PCLO-related conditions. ClinVar contains an entry for this variant (Variation ID: 2168211). Experimental studies and prediction algorithms are not available or were not evaluated, and the functional significance of this variant is currently unknown. In summary, the available evidence is currently insufficient to determine the role of this variant in disease. Therefore, it has been classified as a Variant of Uncertain Significance.